The following is an entry in ClinVar:

ClinVar aggregate classification (germline): Pathogenic (1 of 4 stars; one submission).

Conditions:
Donnai-Barrow syndrome. Also called: DBS/FOAR SYNDROME; FACIOOCULOACOUSTICORENAL SYNDROME. Identifiers: Orphanet 2143, MedGen C1857277, MONDO:0009104, OMIM 222448.

Submission:

Myriad Genetics, Inc.
Classification: Pathogenic for Donnai-Barrow syndrome. Last evaluated: 2025-08-24. Review status: criteria provided, single submitter. Criteria: Myriad Autosomal Dominant, Autosomal Recessive and X-Linked Classification Criteria (2023). Collection method: clinical testing. Allele origin: unknown.
Comment: NM_004525.2(LRP2):c.4649dupA(N1550Kfs*16) is expected to be pathogenic in the context of Donnai-Barrow syndrome. This variant is predicted to lead to an abnormal or absent protein product due to the creation of a premature termination codon in LRP2, a gene where loss-of-function variants are known to be pathogenic. Please note: this variant was assessed in the context of healthy population screening.

NM_004525.3(LRP2):c.4649dup (p.Asn1550fs)

Gene: LRP2 (LDL receptor related protein 2; minus strand). Cytogenetic location: 2q31.1.
Variant type: Duplication.
Coding change: c.4649dup on transcript NM_004525.3 (MANE Select); coding-DNA position 4649, one base duplicated (A; older notation c.4649dupA).
Protein change: p.Asn1550fs; shifts the reading frame from asparagine 1550.
Molecular consequence: frameshift variant.
Genome position (GRCh38, 1-based): chr2:169,237,145, T duplicated on the plus strand (A on the coding strand, the reverse complement: LRP2 is on the minus strand); the first of 5 consecutive T bases (chr2:169,237,145-169,237,149); duplicating any one gives the same sequence. VCF-style (leftmost placement, unchanged base first): chr2-169237144-G-GT. GRCh37 (hg19) VCF-style: chr2-170093654-G-GT.
Other names: short protein forms N1550fs.
Identifiers: ClinVar variation 5014913 (VCV005014913.1).
Genomic context (GRCh38, chr2:169,237,144, plus strand): 5'-TTTTAAAAAAAAGTCTTACTTCATTCTGGGATCTAATGCTAGTCCTCTTGGATTTGTTAG[G>GT]TTTTTACTAATCAGCACAGTCCTGTGGCTCCCATCAATTTTGGAGACTTCAATTGTTTCC-3'